The following is an entry in ClinVar:

ClinVar aggregate classification (germline): Uncertain significance (1 of 4 stars; one submission).

Conditions:
Microcephaly, normal intelligence and immunodeficiency (NBS). Also called: IMMUNODEFICIENCY, MICROCEPHALY, AND CHROMOSOMAL INSTABILITY; SEEMANOVA SYNDROME II; Nijmegen breakage syndrome; Microcephaly with normal intelligence immunodeficiency and lymphoreticular malignancies; Nonsyndromal microcephaly autosomal recessive with normal intelligence; Seemanova syndrome 2. Identifiers: Orphanet 647, MedGen C0398791, MONDO:0009623, OMIM 251260.

Submission:

Labcorp Genetics (formerly Invitae), Labcorp
Classification: Uncertain significance for Microcephaly, normal intelligence and immunodeficiency. Last evaluated: 2022-06-16. Review status: criteria provided, single submitter. Criteria: Invitae Variant Classification Sherloc (09022015). Collection method: clinical testing. Allele origin: germline.
Comment: This sequence change replaces asparagine, which is neutral and polar, with threonine, which is neutral and polar, at codon 71 of the NBN protein (p.Asn71Thr). This variant is not present in population databases (gnomAD no frequency). This variant has not been reported in the literature in individuals affected with NBN-related conditions. Algorithms developed to predict the effect of missense changes on protein structure and function output the following: SIFT: "Tolerated"; PolyPhen-2: "Benign"; Align-GVGD: "Class C0". The threonine amino acid residue is found in multiple mammalian species, which suggests that this missense change does not adversely affect protein function. In summary, the available evidence is currently insufficient to determine the role of this variant in disease. Therefore, it has been classified as a Variant of Uncertain Significance.

NM_002485.5(NBN):c.212A>C (p.Asn71Thr)

Gene: NBN (nibrin; minus strand). Cytogenetic location: 8q21.3.
Variant type: single nucleotide variant.
Coding change: c.212A>C on transcript NM_002485.5 (MANE Select); coding-DNA position 212, A replaced by C.
Protein change: p.Asn71Thr; replaces asparagine 71 with threonine.
Molecular consequence: missense variant. On other transcripts: 5 prime UTR variant (1).
Genome position (GRCh38, 1-based): chr8:89,981,483, T>G on the plus strand (A>C on the coding strand, the complement: NBN is on the minus strand). VCF-style: chr8-89981483-T-G. GRCh37 (hg19) VCF-style: chr8-90993711-T-G.
Other names: c.-35A>C (NM_001024688.3); short protein forms N71T.
Identifiers: ClinVar variation 1993596 (VCV001993596.4), dbSNP rs2488361276, ClinGen allele CA371662560.
Genomic context (GRCh38, chr8:89,981,483, plus strand): 5'-AAAGTTCGGGAAAAGCCATTCTGCATTTTTTCCTCATTAACAAAGGTACCATACTTAGAA[T>G]TATCTTTTAATGTCAATACAGGGATTTCATCTGTTTGACTCTGAAAAGTTAGCAAATAAT-3'
Protein context (NP_002476.2, residues 61-81): DEIPVLTLKD[Asn71Thr]SKYGTFVNEE